The following is an entry in ClinVar:

ClinVar aggregate classification (germline): Likely benign. Review status: criteria provided, single submitter (1 of 4 stars). 2 submissions from 2 submitters: Likely benign (1). 1 of the submissions does not count toward it. Last evaluated 2026-02-03.

Conditions:
KIF2A-related disorder. Also called: KIF2A-related condition.

Allele frequency attached by ClinVar (database versions not stated): gnomAD exomes 0.00004 and 0.00012; ESP Exome Variant Server 0.00015; ExAC 0.00020; gnomAD 0.00037 and 0.00038; TOPMed 0.00043; 1000 Genomes Project 0.00100; 1000 Genomes Project 30x 0.00109.
gnomAD v4.1: 119 of 1,542,106 alleles (0.0077%); highest among the groups gnomAD compares: African/African-American, 0.14%; 1 homozygote.

Submissions (2):

Labcorp Genetics (formerly Invitae), Labcorp
Classification: Likely benign. Last evaluated: 2026-02-03. Review status: criteria provided, single submitter. Criteria: Invitae Variant Classification Sherloc (09022015). Collection method: clinical testing. Allele origin: germline.

PreventionGenetics, part of Exact Sciences
Classification: Likely benign for KIF2A-related condition. Last evaluated: 2019-05-31. Review status: no assertion criteria provided. Collection method: clinical testing. Allele origin: germline. Not counted in ClinVar's aggregate classification.
Comment: This variant is classified as likely benign based on ACMG/AMP sequence variant interpretation guidelines (Richards et al. 2015 PMID: 25741868, with internal and published modifications).

NM_001098511.3(KIF2A):c.1929A>G (p.Pro643=)

Gene: KIF2A (kinesin family member 2A; plus strand). Cytogenetic location: 5q12.1.
Variant type: single nucleotide variant.
Coding change: c.1929A>G on transcript NM_001098511.3 (MANE Select); coding-DNA position 1929, A replaced by G.
Protein change: p.Pro643=; no amino-acid change (proline 643 retained).
Molecular consequence: synonymous variant.
Genome position (GRCh38, 1-based): chr5:62,377,678, A>G. VCF-style: chr5-62377678-A-G. GRCh37 (hg19) VCF-style: chr5-61673505-A-G.
Other names: c.1734A>G, p.Pro578= (NM_001243952.2); c.1758A>G, p.Pro586= (NM_001243953.2); c.1815A>G, p.Pro605= (NM_004520.5).
Identifiers: ClinVar variation 780538 (VCV000780538.11), dbSNP rs201710140, ClinGen allele CA3279086.